The following is an entry in ClinVar:

NM_000440.3(PDE6A):c.304C>T (p.Arg102Cys)

Gene: PDE6A (phosphodiesterase 6A; minus strand). Cytogenetic location: 5q32.
Variant type: single nucleotide variant.
Coding change: c.304C>T on transcript NM_000440.3 (MANE Select); coding-DNA position 304, C replaced by T.
Protein change: p.Arg102Cys; replaces arginine 102 with cysteine.
Molecular consequence: missense variant.
Genome position (GRCh38, 1-based): chr5:149,944,370, G>A on the plus strand (C>T on the coding strand, the complement: PDE6A is on the minus strand). VCF-style: chr5-149944370-G-A. GRCh37 (hg19) VCF-style: chr5-149323933-G-A.
Other names: short protein forms R102C.
Identifiers: ClinVar variation 839256 (VCV000839256.51), dbSNP rs141252097, ClinGen allele CA3505083.

ClinVar aggregate classification (germline): Pathogenic/Likely pathogenic. Review status: criteria provided, multiple submitters, no conflicts (2 of 4 stars). 4 submissions from 4 submitters: Pathogenic (2); Likely pathogenic (2). Last evaluated 2025-12-08.

Conditions:
Retinitis pigmentosa (RP). Identifiers: Orphanet 791, MedGen C0035334, MeSH D012174, MONDO:0019200, OMIM 268000. Inheritance: Autosomal dominant, autosomal recessive and X linked inheritance.
PDE6A-related disorder. Also called: PDE6A-related condition.

Allele frequency attached by ClinVar (database versions not stated): TOPMed 0.00005; 1000 Genomes Project 30x 0.00016.

Submissions (4):

Labcorp Genetics (formerly Invitae), Labcorp
Classification: Pathogenic. Last evaluated: 2025-12-08. Review status: criteria provided, single submitter. Criteria: Invitae Variant Classification Sherloc (09022015). Collection method: clinical testing. Allele origin: germline.
Comment: This sequence change replaces arginine, which is basic and polar, with cysteine, which is neutral and slightly polar, at codon 102 of the PDE6A protein (p.Arg102Cys). This variant is present in population databases (rs141252097, gnomAD 0.006%). This missense change has been observed in individual(s) with clinical features of autosomal recessive retinitis pigmentosa (PMID: 18723146; internal data). In at least one individual the data is consistent with being in trans (on the opposite chromosome) from a pathogenic variant. ClinVar contains an entry for this variant (Variation ID: 839256). Invitae Evidence Modeling of protein sequence and biophysical properties (such as structural, functional, and spatial information, amino acid conservation, physicochemical variation, residue mobility, and thermodynamic stability) has been performed for this missense variant. However, the output from this modeling did not meet the statistical confidence thresholds required to predict the impact of this variant on PDE6A protein function. This variant disrupts the p.Arg102 amino acid residue in PDE6A. Other variant(s) that disrupt this residue have been determined to be pathogenic (PMID: 10393062, 25775262, 27917291). This suggests that this residue is clinically significant, and that variants that disrupt this residue are likely to be disease-causing. For these reasons, this variant has been classified as Pathogenic.

Blueprint Genetics
Classification: Likely pathogenic for PDE6A-related disorders. Last evaluated: 2023-12-29. Review status: criteria provided, single submitter. Criteria: ACMG Guidelines, 2015. Collection method: clinical testing. Allele origin: germline. Affected: yes. Observed: 5 variant alleles.

Broad Center for Mendelian Genomics, Broad Institute of MIT and Harvard
Classification: Likely pathogenic for Retinitis pigmentosa. Last evaluated: 2021-04-01. Review status: criteria provided, single submitter. Criteria: ACMG Guidelines, 2015. Collection method: curation. Allele origin: germline. Inheritance: Autosomal recessive inheritance. Affected: yes.
Comment: Through a review of available evidence we were able to apply the following criteria: PS1, PM2, PP1, PP3. Based on this evidence we have classified this variant as Likely Pathogenic. If you have any questions about the classification please reach out to the Pierce Lab.

CeGaT Center for Human Genetics Tuebingen
Classification: Pathogenic. Last evaluated: 2019-10-01. Review status: criteria provided, single submitter. Criteria: CeGaT Center For Human Genetics Tuebingen Variant Classification Criteria Version 2. Collection method: clinical testing. Allele origin: germline. Affected: yes. Observed: 1 variant allele.

Literature cited by the submitters: PubMed 18723146 (cited by Labcorp Genetics (formerly Invitae), Labcorp and Broad Center for Mendelian Genomics, Broad Institute of MIT and Harvard); PubMed 10393062 (cited by Labcorp Genetics (formerly Invitae), Labcorp); PubMed 25775262 (cited by Labcorp Genetics (formerly Invitae), Labcorp and Broad Center for Mendelian Genomics, Broad Institute of MIT and Harvard); PubMed 27917291 (cited by Labcorp Genetics (formerly Invitae), Labcorp); PubMed 34906470 (cited by Broad Center for Mendelian Genomics, Broad Institute of MIT and Harvard).